The following is an entry in ClinVar:

NM_003126.4(SPTA1):c.5122A>T (p.Lys1708Ter)

Gene: SPTA1 (spectrin alpha, erythrocytic 1; minus strand). Cytogenetic location: 1q23.1.
Variant type: single nucleotide variant.
Coding change: c.5122A>T on transcript NM_003126.4 (MANE Select); coding-DNA position 5122, A replaced by T.
Protein change: p.Lys1708Ter; replaces lysine 1708 with a stop codon.
Molecular consequence: nonsense.
Genome position (GRCh38, 1-based): chr1:158,638,100, T>A on the plus strand (A>T on the coding strand, the complement: SPTA1 is on the minus strand). VCF-style: chr1-158638100-T-A. GRCh37 (hg19) VCF-style: chr1-158607890-T-A.
Other names: p.Lys1708*; short protein forms K1708*.
Identifiers: ClinVar variation 4541656 (VCV004541656.1).

ClinVar aggregate classification (germline): Likely pathogenic (1 of 4 stars; one submission).

Submission:

Mayo Clinic Laboratories, Mayo Clinic
Classification: Likely pathogenic. Last evaluated: 2025-09-10. Review status: criteria provided, single submitter. Criteria: ACMG Guidelines, 2015. Collection method: clinical testing. Allele origin: germline. Observed: 1 variant allele.
Comment: PM2_supporting, PVS1